The following is an entry in ClinVar:

ClinVar aggregate classification (germline): Uncertain significance (1 of 4 stars; one submission).

Conditions:
Cardiovascular phenotype. Identifiers: MedGen CN230736.

Submission:

Ambry Genetics
Classification: Uncertain significance for Cardiovascular phenotype. Last evaluated: 2022-07-25. Review status: criteria provided, single submitter. Criteria: Ambry Variant Classification Scheme 2023. Collection method: clinical testing. Allele origin: germline.
Comment: The p.T2137I variant (also known as c.6410C>T), located in coding exon 8 of the ALMS1 gene, results from a C to T substitution at nucleotide position 6410. The threonine at codon 2137 is replaced by isoleucine, an amino acid with similar properties. This amino acid position is not well conserved in available vertebrate species. In addition, this alteration is predicted to be tolerated by in silico analysis. Since supporting evidence is limited at this time, the clinical significance of this alteration remains unclear.

NM_001378454.1(ALMS1):c.6407C>T (p.Thr2136Ile)

Gene: ALMS1 (ALMS1 centrosome and basal body associated protein; plus strand). Cytogenetic location: 2p13.1.
Variant type: single nucleotide variant.
Coding change: c.6407C>T on transcript NM_001378454.1 (MANE Select); coding-DNA position 6407, C replaced by T.
Protein change: p.Thr2136Ile; replaces threonine 2136 with isoleucine.
Molecular consequence: missense variant.
Genome position (GRCh38, 1-based): chr2:73,452,934, C>T. VCF-style: chr2-73452934-C-T. GRCh37 (hg19) VCF-style: chr2-73680061-C-T.
Other names: c.6410C>T, p.Thr2137Ile (NM_015120.4); short protein forms T2136I, T2137I.
Identifiers: ClinVar variation 1753389 (VCV001753389.2), dbSNP rs2466109013, ClinGen allele CA347287493.